The following is an entry in ClinVar:

ClinVar aggregate classification (germline): Uncertain significance (1 of 4 stars; one submission).

Conditions:
Hereditary cancer-predisposing syndrome. Also called: Hereditary neoplastic syndrome; Neoplastic Syndromes, Hereditary; Tumor predisposition; Hereditary Cancer Syndrome. Identifiers: Orphanet 140162, MedGen C0027672, MeSH D009386, MONDO:0015356.

Submission:

Ambry Genetics
Classification: Uncertain significance for Hereditary cancer-predisposing syndrome. Last evaluated: 2024-12-20. Review status: criteria provided, single submitter. Criteria: Ambry Variant Classification Scheme 2023. Collection method: clinical testing. Allele origin: germline.
Comment: The p.R382G variant (also known as c.1144A>G), located in coding exon 10 of the CHEK2 gene, results from an A to G substitution at nucleotide position 1144. The arginine at codon 382 is replaced by glycine, an amino acid with dissimilar properties. This amino acid position is conserved. In addition, the in silico prediction for this alteration is inconclusive. Based on the available evidence, the clinical significance of this variant remains unclear.

NM_007194.4(CHEK2):c.1144A>G (p.Arg382Gly)

Gene: CHEK2 (checkpoint kinase 2; minus strand). Cytogenetic location: 22q12.1.
Variant type: single nucleotide variant.
Coding change: c.1144A>G on transcript NM_007194.4 (MANE Select); coding-DNA position 1144, A replaced by G.
Protein change: p.Arg382Gly; replaces arginine 382 with glycine.
Molecular consequence: missense variant.
Genome position (GRCh38, 1-based): chr22:28,695,825, T>C on the plus strand (A>G on the coding strand, the complement: CHEK2 is on the minus strand). VCF-style: chr22-28695825-T-C. GRCh37 (hg19) VCF-style: chr22-29091813-T-C.
Other names: c.1273A>G, p.Arg425Gly (NM_001005735.3); c.481A>G, p.Arg161Gly (NM_001257387.3); c.943A>G, p.Arg315Gly (NM_001349956.3); c.1057A>G, p.Arg353Gly (NM_145862.3); short protein forms R315G, R353G, R382G, R161G, R425G.
Identifiers: ClinVar variation 3832927 (VCV003832927.1).